The following is an entry in ClinVar:

ClinVar aggregate classification (germline): Uncertain significance. Review status: criteria provided, multiple submitters, no conflicts (2 of 4 stars). 2 submissions from 2 submitters: Uncertain significance (2). Last evaluated 2024-03-11.

Conditions:
Cardiovascular phenotype. Identifiers: MedGen CN230736.
RASopathy. Also called: rasopathies; Noonan spectrum disorder. Identifiers: Orphanet 536391, MedGen C5555857, MONDO:0021060.

Allele frequency attached by ClinVar (database versions not stated): gnomAD exomes below 0.00001; TOPMed below 0.00001; gnomAD 0.00001; 1000 Genomes Project 30x 0.00016; 1000 Genomes Project 0.00020.
gnomAD v4.1: 4 of 1,613,794 alleles (0.00025%); highest among the groups gnomAD compares: South Asian, 0.0022%; no homozygotes.

Submissions (2):

Labcorp Genetics (formerly Invitae), Labcorp
Classification: Uncertain significance for RASopathy. Last evaluated: 2024-03-11. Review status: criteria provided, single submitter. Criteria: Invitae Variant Classification Sherloc (09022015). Collection method: clinical testing. Allele origin: germline.
Comment: This sequence change replaces methionine, which is neutral and non-polar, with threonine, which is neutral and polar, at codon 558 of the SOS1 protein (p.Met558Thr). This variant is not present in population databases (gnomAD no frequency). This variant has not been reported in the literature in individuals affected with SOS1-related conditions. ClinVar contains an entry for this variant (Variation ID: 1777751). Advanced modeling of protein sequence and biophysical properties (such as structural, functional, and spatial information, amino acid conservation, physicochemical variation, residue mobility, and thermodynamic stability) has been performed at Invitae for this missense variant, however the output from this modeling did not meet the statistical confidence thresholds required to predict the impact of this variant on SOS1 protein function. In summary, the available evidence is currently insufficient to determine the role of this variant in disease. Therefore, it has been classified as a Variant of Uncertain Significance.

Ambry Genetics
Classification: Uncertain significance for Cardiovascular phenotype. Last evaluated: 2021-07-12. Review status: criteria provided, single submitter. Criteria: Ambry Variant Classification Scheme 2023. Collection method: clinical testing. Allele origin: germline.
Comment: The p.M558T variant (also known as c.1673T>C), located in coding exon 10 of the SOS1 gene, results from a T to C substitution at nucleotide position 1673. The methionine at codon 558 is replaced by threonine, an amino acid with similar properties. This amino acid position is conserved. In addition, the in silico prediction for this alteration is inconclusive. Since supporting evidence is limited at this time, the clinical significance of this alteration remains unclear.

NM_005633.4(SOS1):c.1673T>C (p.Met558Thr)

Gene: SOS1 (SOS Ras/Rac guanine nucleotide exchange factor 1; minus strand). Cytogenetic location: 2p22.1.
Variant type: single nucleotide variant.
Coding change: c.1673T>C on transcript NM_005633.4 (MANE Select); coding-DNA position 1673, T replaced by C.
Protein change: p.Met558Thr; replaces methionine 558 with threonine.
Molecular consequence: missense variant.
Genome position (GRCh38, 1-based): chr2:39,022,755, A>G on the plus strand (T>C on the coding strand, the complement: SOS1 is on the minus strand). VCF-style: chr2-39022755-A-G. GRCh37 (hg19) VCF-style: chr2-39249896-A-G.
Other names: c.1652T>C, p.Met551Thr (NM_001382394.1); c.1673T>C, p.Met558Thr (NM_001382395.1); short protein forms M551T, M558T.
Identifiers: ClinVar variation 1777751 (VCV001777751.4), dbSNP rs201624023, ClinGen allele CA45674496.